The following is an entry in ClinVar:

NM_021926.4(ALX4):c.474G>C (p.Glu158Asp)

Gene: ALX4 (ALX homeobox 4; minus strand). Cytogenetic location: 11p11.2.
Variant type: single nucleotide variant.
Coding change: c.474G>C on transcript NM_021926.4 (MANE Select); coding-DNA position 474, G replaced by C.
Protein change: p.Glu158Asp; replaces glutamic acid 158 with aspartic acid.
Molecular consequence: missense variant.
Genome position (GRCh38, 1-based): chr11:44,275,651, C>G on the plus strand (G>C on the coding strand, the complement: ALX4 is on the minus strand). VCF-style: chr11-44275651-C-G. GRCh37 (hg19) VCF-style: chr11-44297201-C-G.
Other names: short protein forms E158D.
Identifiers: ClinVar variation 879085 (VCV000879085.5), dbSNP rs553689111, ClinGen allele CA5955719.

ClinVar aggregate classification (germline): Benign/Likely benign. Review status: criteria provided, multiple submitters, no conflicts (2 of 4 stars). 2 submissions from 2 submitters: Benign (1); Likely benign (1). Last evaluated 2024-04-08.

Conditions:
Inborn genetic diseases. Identifiers: MedGen C0950123, MeSH D030342.
Parietal foramina 2 (PFM2). Identifiers: Orphanet 60015, MedGen C1865044, MONDO:0012309, OMIM 609597.

Allele frequency attached by ClinVar (database versions not stated): gnomAD 0.00001 and 0.00025; TOPMed 0.00002; gnomAD exomes 0.00068; ExAC 0.00079; 1000 Genomes Project 30x 0.00109; 1000 Genomes Project 0.00140.
gnomAD v4.1: 559 of 1,612,854 alleles (0.035%); highest among the groups gnomAD compares: South Asian, 0.57%; 4 homozygotes.

Submissions (2):

Ambry Genetics
Classification: Likely benign for Inborn genetic diseases. Last evaluated: 2024-04-08. Review status: criteria provided, single submitter. Criteria: Ambry Variant Classification Scheme 2023. Collection method: clinical testing. Allele origin: germline.

Illumina Laboratory Services, Illumina
Classification: Benign for Parietal foramina 2. Last evaluated: 2018-01-13. Review status: criteria provided, single submitter. Criteria: ICSL Variant Classification Criteria 13 December 2019. Collection method: clinical testing. Allele origin: germline.
Comment: This variant was observed in the ICSL laboratory as part of a predisposition screen in an ostensibly healthy population. It had not been previously curated by ICSL or reported in the Human Gene Mutation Database (HGMD: prior to June 1st, 2018), and was therefore a candidate for classification through an automated scoring system. Utilizing variant allele frequency, disease prevalence and penetrance estimates, and inheritance mode, an automated score was calculated to assess if this variant is too frequent to cause the disease. Based on the score and internal cut-off values, a variant classified as benign is not then subjected to further curation. The score for this variant resulted in a classification of benign for this disease.